The following is an entry in ClinVar:

NM_003458.4(BSN):c.1063G>A (p.Ala355Thr)

Gene: BSN (bassoon presynaptic cytomatrix protein; plus strand). Cytogenetic location: 3p21.31.
Variant type: single nucleotide variant.
Coding change: c.1063G>A on transcript NM_003458.4 (MANE Select); coding-DNA position 1063, G replaced by A.
Protein change: p.Ala355Thr; replaces alanine 355 with threonine.
Molecular consequence: missense variant.
Genome position (GRCh38, 1-based): chr3:49,642,697, G>A. VCF-style: chr3-49642697-G-A. GRCh37 (hg19) VCF-style: chr3-49680130-G-A.
Other names: short protein forms A355T.
Identifiers: ClinVar variation 777774 (VCV000777774.27), dbSNP rs148125466, ClinGen allele CA2399519.

ClinVar aggregate classification (germline): Benign/Likely benign. Review status: criteria provided, multiple submitters, no conflicts (2 of 4 stars). 2 submissions from 2 submitters: Benign (1); Likely benign (1). Last evaluated 2023-01-01.

Allele frequency attached by ClinVar (database versions not stated): 1000 Genomes Project 0.00100; 1000 Genomes Project 30x 0.00109; gnomAD 0.00279 and 0.00287; TOPMed 0.00289; gnomAD exomes 0.00339 and 0.00397; ExAC 0.00344; ESP Exome Variant Server 0.00361.
gnomAD v4.1: 6,230 of 1,613,152 alleles (0.39%); highest among the groups gnomAD compares: Non-Finnish European, 0.43%; 21 homozygotes.

Submissions (2):

CeGaT Center for Human Genetics Tuebingen
Classification: Likely benign. Last evaluated: 2023-01-01. Review status: criteria provided, single submitter. Criteria: CeGaT Center For Human Genetics Tuebingen Variant Classification Criteria Version 2. Collection method: clinical testing. Allele origin: germline. Affected: yes. Observed: 1 variant allele.
Comment: BSN: BS2

Labcorp Genetics (formerly Invitae), Labcorp
Classification: Benign. Last evaluated: 2018-06-01. Review status: criteria provided, single submitter. Criteria: Invitae Variant Classification Sherloc (09022015). Collection method: clinical testing. Allele origin: germline.